The following is an entry in ClinVar:

NM_001466.4(FZD2):c.1492C>T (p.His498Tyr)

Gene: FZD2 (frizzled class receptor 2; plus strand). Cytogenetic location: 17q21.31.
Variant type: single nucleotide variant.
Coding change: c.1492C>T on transcript NM_001466.4 (MANE Select); coding-DNA position 1492, C replaced by T.
Protein change: p.His498Tyr; replaces histidine 498 with tyrosine.
Molecular consequence: missense variant.
Genome position (GRCh38, 1-based): chr17:44,559,180, C>T. VCF-style: chr17-44559180-C-T. GRCh37 (hg19) VCF-style: chr17-42636548-C-T.
Other names: short protein forms H498Y.
Identifiers: ClinVar variation 1390214 (VCV001390214.6), dbSNP rs2144574041, ClinGen allele CA399799646.

ClinVar aggregate classification (germline): Uncertain significance (1 of 4 stars; one submission).

Submission:

Labcorp Genetics (formerly Invitae), Labcorp
Classification: Uncertain significance. Last evaluated: 2024-02-24. Review status: criteria provided, single submitter. Criteria: Invitae Variant Classification Sherloc (09022015). Collection method: clinical testing. Allele origin: germline.
Comment: This sequence change replaces histidine, which is basic and polar, with tyrosine, which is neutral and polar, at codon 498 of the FZD2 protein (p.His498Tyr). This variant is not present in population databases (gnomAD no frequency). This variant has not been reported in the literature in individuals affected with FZD2-related conditions. ClinVar contains an entry for this variant (Variation ID: 1390214). Advanced modeling of protein sequence and biophysical properties (such as structural, functional, and spatial information, amino acid conservation, physicochemical variation, residue mobility, and thermodynamic stability) performed at Invitae indicates that this missense variant is not expected to disrupt FZD2 protein function with a negative predictive value of 80%. In summary, the available evidence is currently insufficient to determine the role of this variant in disease. Therefore, it has been classified as a Variant of Uncertain Significance.